The following is an entry in ClinVar:

NM_000352.6(ABCC8):c.80T>C (p.Phe27Ser)

Gene: ABCC8 (ATP binding cassette subfamily C member 8; minus strand). Cytogenetic location: 11p15.1.
Variant type: single nucleotide variant.
Coding change: c.80T>C on transcript NM_000352.6 (MANE Select); coding-DNA position 80, T replaced by C.
Protein change: p.Phe27Ser; replaces phenylalanine 27 with serine.
Molecular consequence: missense variant. On other transcripts: non-coding transcript variant (1).
Genome position (GRCh38, 1-based): chr11:17,476,697, A>G on the plus strand (T>C on the coding strand, the complement: ABCC8 is on the minus strand). VCF-style: chr11-17476697-A-G. GRCh37 (hg19) VCF-style: chr11-17498244-A-G.
Other names: c.80T>C, p.Phe27Ser (NM_001287174.3, NM_001351295.2, NM_001351296.2 and 1 more transcripts); c.80T>C (NM_000352.4); short protein forms F27S.
Identifiers: ClinVar variation 2735556 (VCV002735556.4), dbSNP rs2496930367, ClinGen allele CA379790046.

ClinVar aggregate classification (germline): Likely pathogenic. Review status: criteria provided, multiple submitters, no conflicts (2 of 4 stars). 2 submissions from 2 submitters: Likely pathogenic (2). Last evaluated 2024-11-25.

Conditions:
ABCC8-related disorder.

gnomAD v4.1: 1 of 1,611,352 alleles (0.000062%); no homozygotes.

Submissions (2):

PreventionGenetics, part of Exact Sciences
Classification: Likely pathogenic for ABCC8-related condition. Last evaluated: 2024-11-25. Review status: criteria provided, single submitter. Criteria: ACMG Guidelines, 2015. Collection method: clinical testing. Allele origin: germline.
Comment: The ABCC8 c.80T>C variant is predicted to result in the amino acid substitution p.Phe27Ser. This variant has been reported in two patients with congenital hyperinsulinism (CHI); the patient described by Henwood et al. was noted to have focal CHI and absent ATP-sensitive potassium channel function (Henwood et al. 2005. PubMed ID: 15562009; Fan et al. 2015. PubMed ID: 26740944). The p.Phe27 amino acid is located in transmembrane domain 0, and the p.Phe27Ser substitution has been reported to significantly reduce surface expression of the ATP-sensitive potassium channel subunit sulfonylurea receptor 1, encoded by ABCC8. The reduced surface expression was rescued by addition of sulfonylurea but not diazoxide (Yan et al. 2007. PubMed ID: 17575084). This variant is interpreted as likely pathogenic.

Labcorp Genetics (formerly Invitae), Labcorp
Classification: Likely pathogenic. Last evaluated: 2024-01-20. Review status: criteria provided, single submitter. Criteria: Invitae Variant Classification Sherloc (09022015). Collection method: clinical testing. Allele origin: germline.
Comment: This sequence change replaces phenylalanine, which is neutral and non-polar, with serine, which is neutral and polar, at codon 27 of the ABCC8 protein (p.Phe27Ser). This variant is not present in population databases (gnomAD no frequency). This missense change has been observed in individuals with autosomal dominant congenital hyperinsulinism (PMID: 16357843; Invitae). Advanced modeling of protein sequence and biophysical properties (such as structural, functional, and spatial information, amino acid conservation, physicochemical variation, residue mobility, and thermodynamic stability) performed at Invitae indicates that this missense variant is expected to disrupt ABCC8 protein function with a positive predictive value of 95%. Experimental studies have shown that this missense change affects ABCC8 function (PMID: 17575084, 19151370, 31343405). In summary, the currently available evidence indicates that the variant is pathogenic, but additional data are needed to prove that conclusively. Therefore, this variant has been classified as Likely Pathogenic.

Literature cited by the submitters: PubMed 16357843 (cited by Labcorp Genetics (formerly Invitae), Labcorp); PubMed 17575084 (cited by Labcorp Genetics (formerly Invitae), Labcorp); PubMed 19151370 (cited by Labcorp Genetics (formerly Invitae), Labcorp); PubMed 31343405 (cited by Labcorp Genetics (formerly Invitae), Labcorp).